The following is an entry in ClinVar:

NM_024753.5(TTC21B):c.1954G>A (p.Glu652Lys)

Gene: TTC21B (tetratricopeptide repeat domain 21B; minus strand). Cytogenetic location: 2q24.3.
Variant type: single nucleotide variant.
Coding change: c.1954G>A on transcript NM_024753.5 (MANE Select); coding-DNA position 1954, G replaced by A.
Protein change: p.Glu652Lys; replaces glutamic acid 652 with lysine.
Molecular consequence: missense variant.
Genome position (GRCh38, 1-based): chr2:165,915,385, C>T on the plus strand (G>A on the coding strand, the complement: TTC21B is on the minus strand). VCF-style: chr2-165915385-C-T. GRCh37 (hg19) VCF-style: chr2-166771895-C-T.
Other names: c.1954G>A (NM_024753.4); short protein forms E652K.
Identifiers: ClinVar variation 3584616 (VCV003584616.2).
Genomic context (GRCh38, chr2:165,915,385, plus strand): 5'-GTTCAATATCTCCTTGGGCTAGAGCAAGGTCTGCATTAGCAATGGTAACCCGCACTTCTT[C>T]AGATGTTCCAGAAAATTCATGGATGGCATCTTGTAAAACTTTGGTTGCCTCATGCTGTAA-3'
Protein context (NP_079029.3, residues 642-662): DAIHEFSGTS[Glu652Lys]EVRVTIANAD

ClinVar aggregate classification (germline): Uncertain significance. Review status: criteria provided, multiple submitters, no conflicts (2 of 4 stars). 2 submissions from 2 submitters: Uncertain significance (2). Last evaluated 2025-07-15.

Conditions:
Nephronophthisis 12 (NPHP12). Identifiers: Orphanet 655, MedGen C3151186, MONDO:0013442, OMIM 613820.
Asphyxiating thoracic dystrophy 4 (SRTD4). Also called: SHORT-RIB THORACIC DYSPLASIA 4 WITH OR WITHOUT POLYDACTYLY; SHORT-RIB THORACIC DYSPLASIA 4. Identifiers: Orphanet 474, MedGen C3151185, MONDO:0013441, OMIM 613819.
TTC21B-related disorder. Also called: TTC21B-related disorders; TTC21B-related condition.

Submissions (2):

PreventionGenetics, part of Exact Sciences
Classification: Uncertain significance for TTC21B-related condition. Last evaluated: 2025-07-15. Review status: criteria provided, single submitter. Criteria: ACMG Guidelines, 2015. Collection method: clinical testing. Allele origin: germline.
Comment: The TTC21B c.1954G>A variant is predicted to result in the amino acid substitution p.Glu652Lys. To our knowledge, this variant has not been reported in the literature. This variant is reported in 0.0062% of alleles in individuals of African descent in gnomAD. At this time, the clinical significance of this variant is uncertain due to the absence of conclusive functional and genetic evidence.

Fulgent Genetics
Classification: Uncertain significance for Asphyxiating thoracic dystrophy 4; Nephronophthisis 12. Last evaluated: 2024-04-20. Review status: criteria provided, single submitter. Criteria: ACMG Guidelines, 2015. Collection method: clinical testing. Allele origin: germline.